The following is an entry in ClinVar:

ClinVar aggregate classification (germline): Uncertain significance. Review status: criteria provided, multiple submitters, no conflicts (2 of 4 stars). 2 submissions from 2 submitters: Uncertain significance (2). Last evaluated 2025-10-09.

Conditions:
Tumor predisposition syndrome 3 (TPDS3). Also called: Glioma susceptibility 9; Melanoma, cutaneous malignant, susceptibility to, 10; LONG TELOMERE SYNDROME, POT1-RELATED; POT1 Tumor Predisposition. Identifiers: Orphanet 618, MedGen C4014476, MONDO:0014368, OMIM 615848.
Hereditary cancer-predisposing syndrome. Also called: Hereditary Cancer Syndrome; Hereditary neoplastic syndrome; Neoplastic Syndromes, Hereditary; Tumor predisposition. Identifiers: Orphanet 140162, MedGen C0027672, MeSH D009386, MONDO:0015356.

Submissions (2):

Ambry Genetics
Classification: Uncertain significance for Hereditary cancer-predisposing syndrome. Last evaluated: 2025-10-09. Review status: criteria provided, single submitter. Criteria: Ambry Variant Classification Scheme 2023. Collection method: clinical testing. Allele origin: germline.
Comment: The p.V277I variant (also known as c.829G>A), located in coding exon 6 of the POT1 gene, results from a G to A substitution at nucleotide position 829. The valine at codon 277 is replaced by isoleucine, an amino acid with highly similar properties. This amino acid position is conserved. In addition, this alteration is predicted to be tolerated by in silico analysis. Based on the available evidence, the clinical significance of this variant remains unclear.

Labcorp Genetics (formerly Invitae), Labcorp
Classification: Uncertain significance for Tumor predisposition syndrome 3. Last evaluated: 2024-08-11. Review status: criteria provided, single submitter. Criteria: Invitae Variant Classification Sherloc (09022015). Collection method: clinical testing. Allele origin: germline.
Comment: This sequence change replaces valine, which is neutral and non-polar, with isoleucine, which is neutral and non-polar, at codon 277 of the POT1 protein (p.Val277Ile). This variant is not present in population databases (gnomAD no frequency). This variant has not been reported in the literature in individuals affected with POT1-related conditions. Advanced modeling of protein sequence and biophysical properties (such as structural, functional, and spatial information, amino acid conservation, physicochemical variation, residue mobility, and thermodynamic stability) performed at Invitae indicates that this missense variant is not expected to disrupt POT1 protein function with a negative predictive value of 80%. RNA analysis performed to evaluate the impact of this missense change on mRNA splicing indicates it does not significantly alter splicing (Invitae). In summary, the available evidence is currently insufficient to determine the role of this variant in disease. Therefore, it has been classified as a Variant of Uncertain Significance.

NM_015450.3(POT1):c.829G>A (p.Val277Ile)

Gene: POT1 (protection of telomeres 1; minus strand). Cytogenetic location: 7q31.33.
Variant type: single nucleotide variant.
Coding change: c.829G>A on transcript NM_015450.3 (MANE Select); coding-DNA position 829, G replaced by A.
Protein change: p.Val277Ile; replaces valine 277 with isoleucine.
Molecular consequence: missense variant. On other transcripts: non-coding transcript variant (3).
Genome position (GRCh38, 1-based): chr7:124,853,012, C>T on the plus strand (G>A on the coding strand, the complement: POT1 is on the minus strand). VCF-style: chr7-124853012-C-T. GRCh37 (hg19) VCF-style: chr7-124493066-C-T.
Other names: c.436G>A, p.Val146Ile (NM_001042594.2); c.829G>A (NM_015450.2); short protein forms V146I, V277I.
Identifiers: ClinVar variation 2743750 (VCV002743750.4), dbSNP rs2485441441, ClinGen allele CA369055307.
Genomic context (GRCh38, chr7:124,853,012, plus strand): 5'-TCTAAATACTAAAAGCTTACTTTTTCAGTTGATCCACATCAGAGTTACTTTCTGGCAAGA[C>T]CCTGATTCCCCGACCGTAACTGGTACCTCCATGAAGATGAAACTCTAAACTTAACATTGT-3'
Protein context (NP_056265.2, residues 267-287): GGTSYGRGIR[Val277Ile]LPESNSDVDQ